The following is an entry in ClinVar:

NM_001355436.2(SPTB):c.2984G>A (p.Arg995Lys)

Gene: SPTB (spectrin beta, erythrocytic; minus strand). Cytogenetic location: 14q23.3.
Variant type: single nucleotide variant.
Coding change: c.2984G>A on transcript NM_001355436.2 (MANE Select); coding-DNA position 2984, G replaced by A.
Protein change: p.Arg995Lys; replaces arginine 995 with lysine.
Molecular consequence: missense variant.
Genome position (GRCh38, 1-based): chr14:64,786,981, C>T on the plus strand (G>A on the coding strand, the complement: SPTB is on the minus strand). VCF-style: chr14-64786981-C-T. GRCh37 (hg19) VCF-style: chr14-65253699-C-T.
Other names: c.2984G>A, p.Arg995Lys (NM_001024858.4, NM_001355437.2); short protein forms R995K.
Identifiers: ClinVar variation 4763475 (VCV004763475.1).

ClinVar aggregate classification (germline): Uncertain significance (1 of 4 stars; one submission).

gnomAD v4.1: 2 of 1,614,132 alleles (0.00012%); highest among the groups gnomAD compares: South Asian, 0.0022%; no homozygotes.

Submission:

Labcorp Genetics (formerly Invitae), Labcorp
Classification: Uncertain significance. Last evaluated: 2025-10-01. Review status: criteria provided, single submitter. Criteria: Invitae Variant Classification Sherloc (09022015). Collection method: clinical testing. Allele origin: germline.
Comment: This sequence change replaces arginine, which is basic and polar, with lysine, which is basic and polar, at codon 995 of the SPTB protein (p.Arg995Lys). This variant is not present in population databases (gnomAD no frequency). This variant has not been reported in the literature in individuals affected with SPTB-related conditions. An algorithm developed to predict the effect of missense changes on protein structure and function (PolyPhen-2) suggests that this variant is likely to be disruptive. In summary, the available evidence is currently insufficient to determine the role of this variant in disease. Therefore, it has been classified as a Variant of Uncertain Significance.